The following is an entry in ClinVar:

NM_033026.6(PCLO):c.9455C>T (p.Thr3152Met)

Gene: PCLO (piccolo presynaptic cytomatrix protein; minus strand). Cytogenetic location: 7q21.11.
Variant type: single nucleotide variant.
Coding change: c.9455C>T on transcript NM_033026.6 (MANE Select); coding-DNA position 9455, C replaced by T.
Protein change: p.Thr3152Met; replaces threonine 3152 with methionine.
Molecular consequence: missense variant.
Genome position (GRCh38, 1-based): chr7:82,951,133, G>A on the plus strand (C>T on the coding strand, the complement: PCLO is on the minus strand). VCF-style: chr7-82951133-G-A. GRCh37 (hg19) VCF-style: chr7-82580449-G-A.
Other names: c.9455C>T, p.Thr3152Met (NM_014510.3); short protein forms T3152M.
Identifiers: ClinVar variation 1904030 (VCV001904030.2), dbSNP rs188499676, ClinGen allele CA4319921.

ClinVar aggregate classification (germline): Uncertain significance (1 of 4 stars; one submission).

Allele frequency attached by ClinVar (database versions not stated): gnomAD exomes 0.00003; ExAC 0.00004; TOPMed 0.00005; gnomAD 0.00008; 1000 Genomes Project 0.00060; 1000 Genomes Project 30x 0.00062.
gnomAD v4.1: 58 of 1,613,590 alleles (0.0036%); highest among the groups gnomAD compares: East Asian, 0.078%; no homozygotes.

Submission:

Labcorp Genetics (formerly Invitae), Labcorp
Classification: Uncertain significance. Last evaluated: 2022-04-01. Review status: criteria provided, single submitter. Criteria: Invitae Variant Classification Sherloc (09022015). Collection method: clinical testing. Allele origin: germline.
Comment: This sequence change replaces threonine, which is neutral and polar, with methionine, which is neutral and non-polar, at codon 3152 of the PCLO protein (p.Thr3152Met). This variant is present in population databases (rs188499676, gnomAD 0.007%). This variant has not been reported in the literature in individuals affected with PCLO-related conditions. Algorithms developed to predict the effect of missense changes on protein structure and function output the following: SIFT: "Tolerated"; PolyPhen-2: "Not Available"; Align-GVGD: "Class C0". The methionine amino acid residue is found in multiple mammalian species, which suggests that this missense change does not adversely affect protein function. In summary, the available evidence is currently insufficient to determine the role of this variant in disease. Therefore, it has been classified as a Variant of Uncertain Significance.